The following is an entry in ClinVar:

ClinVar aggregate classification (germline): Uncertain significance (1 of 4 stars; one submission).

gnomAD v4.1: 2 of 1,613,940 alleles (0.00012%); highest among the groups gnomAD compares: African/African-American, 0.0013%; no homozygotes.

Submission:

Ambry Genetics
Classification: Uncertain significance. Last evaluated: 2025-03-18. Review status: criteria provided, single submitter. Criteria: Ambry Variant Classification Scheme 2023. Collection method: clinical testing. Allele origin: germline.
Comment: The p.H1141P variant (also known as c.3422A>C), located in coding exon 13 of the CDK12 gene, results from an A to C substitution at nucleotide position 3422. The histidine at codon 1141 is replaced by proline, an amino acid with similar properties. This amino acid position is conserved. In addition, this alteration is predicted to be tolerated by in silico analysis. Based on the available evidence, the clinical significance of this variant remains unclear.

NM_016507.4(CDK12):c.3422A>C (p.His1141Pro)

Gene: CDK12 (cyclin dependent kinase 12; plus strand). Cytogenetic location: 17q12.
Variant type: single nucleotide variant.
Coding change: c.3422A>C on transcript NM_016507.4 (MANE Select); coding-DNA position 3422, A replaced by C.
Protein change: p.His1141Pro; replaces histidine 1141 with proline.
Molecular consequence: missense variant.
Genome position (GRCh38, 1-based): chr17:39,525,978, A>C. VCF-style: chr17-39525978-A-C. GRCh37 (hg19) VCF-style: chr17-37682231-A-C.
Other names: c.3422A>C, p.His1141Pro (NM_015083.4); short protein forms H1141P.
Identifiers: ClinVar variation 3999236 (VCV003999236.1).